The following is an entry in ClinVar:

ClinVar aggregate classification (germline): Uncertain significance. Review status: criteria provided, multiple submitters, no conflicts (2 of 4 stars). 2 submissions from 2 submitters: Uncertain significance (2). Last evaluated 2020-09-02.

Conditions:
Epidermolysis bullosa simplex 3, localized or generalized intermediate, with BP230 deficiency (EBS3). Also called: Epidermolysis bullosa simplex due to BP230 deficiency; Epidermolysis bullosa simplex, autosomal recessive 2. Identifiers: Orphanet 412181, MedGen C3809470, MONDO:0014180, OMIM 615425.
Hereditary sensory and autonomic neuropathy type 6. Also called: HSAN VI; Neuropathy, hereditary sensory and autonomic, type VI. Identifiers: Orphanet 314381, MedGen C3539003, MONDO:0013839, OMIM 614653.

Submissions (2):

Labcorp Genetics (formerly Invitae), Labcorp
Classification: Uncertain significance for Epidermolysis bullosa simplex 3, localized or generalized intermediate, with BP230 deficiency; Hereditary sensory and autonomic neuropathy type 6. Last evaluated: 2020-09-02. Review status: criteria provided, single submitter. Criteria: Invitae Variant Classification Sherloc (09022015). Collection method: clinical testing. Allele origin: germline.
Comment: Experimental studies and prediction algorithms are not available or were not evaluated, and the functional significance of this variant is currently unknown. In summary, the available evidence is currently insufficient to determine the role of this variant in disease. Therefore, it has been classified as a Variant of Uncertain Significance. This variant has not been reported in the literature in individuals with DST-related conditions. ClinVar contains an entry for this variant (Variation ID: 522894). This variant is not present in population databases (ExAC no frequency). This sequence change replaces valine with isoleucine at codon 1221 of the DST protein (p.Val1221Ile). The valine residue is moderately conserved and there is a small physicochemical difference between the two amino acids. The DST gene has multiple clinically relevant transcripts. This variant occurs in alternate transcript NM_015548.4, and corresponds to NM_001723.5:c.*5079G>A in the primary transcript.

Genomic Research Center, Shahid Beheshti University of Medical Sciences
Classification: Uncertain significance for Hereditary sensory and autonomic neuropathy type 6. Last evaluated: 2017-12-18. Review status: criteria provided, single submitter. Criteria: ACMG Guidelines, 2015. Collection method: clinical testing. Allele origin: inherited.

NM_001374736.1(DST):c.5272G>A (p.Val1758Ile)

Gene: DST (dystonin; minus strand). Cytogenetic location: 6p12.1.
Variant type: single nucleotide variant.
Coding change: c.5272G>A on transcript NM_001374736.1 (MANE Select); coding-DNA position 5272, G replaced by A.
Protein change: p.Val1758Ile; replaces valine 1758 with isoleucine.
Molecular consequence: missense variant.
Genome position (GRCh38, 1-based): chr6:56,610,438, C>T on the plus strand (G>A on the coding strand, the complement: DST is on the minus strand). VCF-style: chr6-56610438-C-T. GRCh37 (hg19) VCF-style: chr6-56475236-C-T.
Other names: c.5173G>A, p.Val1725Ile (NM_001144769.5); c.4759G>A, p.Val1587Ile (NM_001144770.2); c.5272G>A, p.Val1758Ile (NM_001374722.1); c.4639G>A, p.Val1547Ile (NM_001374729.1, NM_001386100.1, NM_183380.4 and 1 more transcripts); c.3661G>A, p.Val1221Ile (NM_015548.5); c.5299G>A, p.Val1767Ile (NM_001374734.1); short protein forms V1221I, V1725I, V1547I, V1587I, V1758I, V1767I.
Identifiers: ClinVar variation 522894 (VCV000522894.12), dbSNP rs1554488238, ClinGen allele CA364561073.